The following is an entry in ClinVar:

ClinVar aggregate classification (germline): Uncertain significance (1 of 4 stars; one submission).

Conditions:
Inborn genetic diseases. Identifiers: MedGen C0950123, MeSH D030342.

Submission:

Ambry Genetics
Classification: Uncertain significance for Inborn genetic diseases. Last evaluated: 2022-05-20. Review status: criteria provided, single submitter. Criteria: Ambry Variant Classification Scheme 2023. Collection method: clinical testing. Allele origin: germline.
Comment: The p.C717S variant (also known as c.2150G>C), located in coding exon 18 of the LRRK2 gene, results from a G to C substitution at nucleotide position 2150. The cysteine at codon 717 is replaced by serine, an amino acid with dissimilar properties. This amino acid position is conserved. In addition, this alteration is predicted to be deleterious by in silico analysis. Since supporting evidence is limited at this time, the clinical significance of this alteration remains unclear.

NM_198578.4(LRRK2):c.2150G>C (p.Cys717Ser)

Gene: LRRK2 (leucine rich repeat kinase 2; plus strand). Cytogenetic location: 12q12.
Variant type: single nucleotide variant.
Coding change: c.2150G>C on transcript NM_198578.4 (MANE Select); coding-DNA position 2150, G replaced by C.
Protein change: p.Cys717Ser; replaces cysteine 717 with serine.
Molecular consequence: missense variant.
Genome position (GRCh38, 1-based): chr12:40,278,170, G>C. VCF-style: chr12-40278170-G-C. GRCh37 (hg19) VCF-style: chr12-40671972-G-C.
Other names: short protein forms C717S.
Identifiers: ClinVar variation 1786747 (VCV001786747.2), dbSNP rs2499638948, ClinGen allele CA384405136.